The following is an entry in ClinVar:

NM_080424.4(SP110):c.2116G>A (p.Asp706Asn)

Gene: SP110 (SP110 nuclear body protein; minus strand). Cytogenetic location: 2q37.1.
Variant type: single nucleotide variant.
Coding change: c.2116G>A on transcript NM_080424.4 (MANE Select); coding-DNA position 2116, G replaced by A.
Protein change: p.Asp706Asn; replaces aspartic acid 706 with asparagine.
Molecular consequence: missense variant.
Genome position (GRCh38, 1-based): chr2:230,169,150, C>T on the plus strand (G>A on the coding strand, the complement: SP110 is on the minus strand). VCF-style: chr2-230169150-C-T. GRCh37 (hg19) VCF-style: chr2-231033866-C-T.
Other names: c.2212G>A, p.Asp738Asn (NM_001378442.1); c.2194G>A, p.Asp732Asn (NM_001378443.1); c.2134G>A, p.Asp712Asn (NM_001378444.1); c.2062G>A, p.Asp688Asn (NM_001378445.1); c.1921G>A, p.Asp641Asn (NM_001378446.1); c.2044G>A, p.Asp682Asn (NM_004509.5); short protein forms D641N, D688N, D712N, D706N, D732N, D682N, D738N.
Identifiers: ClinVar variation 2173074 (VCV002173074.3), dbSNP rs771524886, ClinGen allele CA2154236.

ClinVar aggregate classification (germline): Uncertain significance (1 of 4 stars; one submission).

Conditions:
Hepatic veno-occlusive disease-immunodeficiency syndrome. Also called: Hepatic Veno-Occlusive Disease with Immunodeficiency. Identifiers: Orphanet 79124, MedGen C1856128, MONDO:0009338, OMIM 235550. Disease mechanism: loss of function.

Allele frequency attached by ClinVar (database versions not stated): ExAC 0.00001; gnomAD 0.00001; gnomAD exomes 0.00002; TOPMed 0.00003.
gnomAD v4.1: 28 of 1,613,420 alleles (0.0017%); highest among the groups gnomAD compares: Non-Finnish European, 0.0023%; no homozygotes.

Submission:

Labcorp Genetics (formerly Invitae), Labcorp
Classification: Uncertain significance for Hepatic veno-occlusive disease-immunodeficiency syndrome. Last evaluated: 2025-02-13. Review status: criteria provided, single submitter. Criteria: Invitae Variant Classification Sherloc (09022015). Collection method: clinical testing. Allele origin: germline.
Comment: This sequence change replaces aspartic acid, which is acidic and polar, with asparagine, which is neutral and polar, at codon 682 of the SP110 protein (p.Asp682Asn). This variant is present in population databases (rs771524886, gnomAD 0.002%). This variant has not been reported in the literature in individuals affected with SP110-related conditions. ClinVar contains an entry for this variant (Variation ID: 2173074). An algorithm developed to predict the effect of missense changes on protein structure and function (PolyPhen-2) suggests that this variant is likely to be tolerated. In summary, the available evidence is currently insufficient to determine the role of this variant in disease. Therefore, it has been classified as a Variant of Uncertain Significance.